The following is an entry in ClinVar:

NM_024921.4(POF1B):c.1317+3A>T

Gene: POF1B (POF1B actin binding protein; minus strand). Cytogenetic location: Xq21.1.
Variant type: single nucleotide variant.
Coding change: c.1317+3A>T on transcript NM_024921.4 (MANE Select); 3 bases into the intron after coding-DNA position 1317, A replaced by T.
Molecular consequence: intron variant.
Genome position (GRCh38, 1-based): chrX:85,306,178, T>A on the plus strand (A>T on the coding strand, the complement: POF1B is on the minus strand). VCF-style: chrX-85306178-T-A. GRCh37 (hg19) VCF-style: chrX-84561184-T-A.
Other names: c.1317+3A>T (NM_001307940.2).
Identifiers: ClinVar variation 431891 (VCV000431891.2), dbSNP rs1199354511, ClinGen allele CA645373310.

ClinVar aggregate classification (germline): Uncertain significance (1 of 4 stars; one submission).

Allele frequency attached by ClinVar (database versions not stated): gnomAD exomes below 0.00001.
gnomAD v4.1: 2 of 1,191,455 alleles (0.00017%); highest among the groups gnomAD compares: Non-Finnish European, 0.00023%; no homozygotes.

Submission:

GeneDx
Classification: Uncertain significance. Last evaluated: 2015-09-03. Review status: criteria provided, single submitter. Criteria: GeneDx Variant Classification (06012015). Collection method: clinical testing. Allele origin: germline. Affected: yes.
Comment: The c.1317+3A>T variant in the POF1B gene has not been reported previously as a pathogenic variant nor as a benign polymorphism, to our knowledge. This variant destroys the splice donor site in intron 12, and is expected to cause abnormal gene splicing. The c.1317+3A>T variant was not observed in approximately 6500 individuals of European and African American ancestry in the NHLBI Exome Sequencing Project, indicating it is not a common benign variant in these populations. We interpret c.1317+3A>T as a variant of uncertain significance.